The following is an entry in ClinVar:

NM_000262.3(NAGA):c.286A>T (p.Lys96Ter)

Genes: NAGA (alpha-N-acetylgalactosaminidase; minus strand), LOC126863160 (CDK7 strongly-dependent group 2 enhancer GRCh37_chr22:42462918-42464117; plus strand). Cytogenetic location: 22q13.2.
Variant type: single nucleotide variant.
Coding change: c.286A>T on transcript NM_000262.3 (MANE Select); coding-DNA position 286, A replaced by T.
Protein change: p.Lys96Ter; replaces lysine 96 with a stop codon.
Molecular consequence: nonsense.
Genome position (GRCh38, 1-based): chr22:42,067,803, T>A on the plus strand (A>T on the coding strand, the complement: NAGA is on the minus strand). VCF-style: chr22-42067803-T-A. GRCh37 (hg19) VCF-style: chr22-42463807-T-A.
Other names: c.286A>T, p.Lys96Ter (NM_001362848.1, NM_001362850.1); short protein forms K96*.
Identifiers: ClinVar variation 5013940 (VCV005013940.1).
Genomic context (GRCh38, chr22:42,067,803, plus strand): 5'-GCAGGGCTGGGGTGCGGCTCACGTAGTCAGCCAGGAAAGGAATGCCATGAGGGAAGCGCT[T>A]GGGATCCGGCATCAGGCGGCCACTGGCATCGCGACCACCGATCCAGCAGTCATCAATGTT-3'

ClinVar aggregate classification (germline): Pathogenic (1 of 4 stars; one submission).

Conditions:
Alpha-N-acetylgalactosaminidase deficiency. Identifiers: Orphanet 3137, MedGen C5848084, MONDO:0017779.

Submission:

Myriad Genetics, Inc.
Classification: Pathogenic for Alpha-N-acetylgalactosaminidase deficiency. Last evaluated: 2025-01-10. Review status: criteria provided, single submitter. Criteria: Myriad Autosomal Dominant, Autosomal Recessive and X-Linked Classification Criteria (2023). Collection method: clinical testing. Allele origin: unknown.
Comment: NM_000262.2(NAGA):c.286A>T(K96*) is expected to be pathogenic in the context of NAGA-related disorders. This variant is predicted to lead to an abnormal or absent protein product due to the creation of a premature termination codon in NAGA, a gene where loss-of-function variants are known to be pathogenic. Please note: this variant was assessed in the context of healthy population screening.